The following is an entry in ClinVar:

ClinVar aggregate classification (germline): Uncertain significance (1 of 4 stars; one submission).

Conditions:
Glycogen storage disease IXb (GSD9B). Also called: GLYCOGENOSIS OF LIVER AND MUSCLE, AUTOSOMAL RECESSIVE; GSD IXb; PHOSPHORYLASE KINASE DEFICIENCY OF LIVER AND MUSCLE, AUTOSOMAL RECESSIVE. Identifiers: Orphanet 79240, MedGen C0543514, MONDO:0009868, OMIM 261750.

Allele frequency attached by ClinVar (database versions not stated): TOPMed 0.00001.

Submission:

Labcorp Genetics (formerly Invitae), Labcorp
Classification: Uncertain significance for Glycogen storage disease IXb. Last evaluated: 2022-08-02. Review status: criteria provided, single submitter. Criteria: Invitae Variant Classification Sherloc (09022015). Collection method: clinical testing. Allele origin: germline.
Comment: This sequence change replaces leucine, which is neutral and non-polar, with serine, which is neutral and polar, at codon 97 of the PHKB protein (p.Leu97Ser). In summary, the available evidence is currently insufficient to determine the role of this variant in disease. Therefore, it has been classified as a Variant of Uncertain Significance. Algorithms developed to predict the effect of missense changes on protein structure and function are either unavailable or do not agree on the potential impact of this missense change (SIFT: "Deleterious"; PolyPhen-2: "Probably Damaging"; Align-GVGD: "Class C0"). This variant has not been reported in the literature in individuals affected with PHKB-related conditions. This variant is present in population databases (no rsID available, gnomAD 0.006%).

NM_000293.3(PHKB):c.290T>C (p.Leu97Ser)

Genes: PHKB (phosphorylase kinase regulatory subunit beta; plus strand), LOC112449713 (Sharpr-MPRA regulatory region 10524; plus strand). Cytogenetic location: 16q12.1.
Variant type: single nucleotide variant.
Coding change: c.290T>C on transcript NM_000293.3 (MANE Select); coding-DNA position 290, T replaced by C.
Protein change: p.Leu97Ser; replaces leucine 97 with serine.
Molecular consequence: missense variant.
Genome position (GRCh38, 1-based): chr16:47,499,879, T>C. VCF-style: chr16-47499879-T-C. GRCh37 (hg19) VCF-style: chr16-47533790-T-C.
Other names: c.269T>C, p.Leu90Ser (NM_001031835.3); c.290T>C, p.Leu97Ser (NM_001363837.1); short protein forms L90S, L97S.
Identifiers: ClinVar variation 1713458 (VCV001713458.5), dbSNP rs1338701111, ClinGen allele CA396098788.